The following is an entry in ClinVar:

NM_002857.4(PEX19):c.606del (p.Trp202fs)

Gene: PEX19 (peroxisomal biogenesis factor 19; minus strand). Cytogenetic location: 1q23.2.
Variant type: Deletion.
Coding change: c.606del on transcript NM_002857.4 (MANE Select); coding-DNA position 606, one base deleted (G; older notation c.606delG).
Protein change: p.Trp202fs; shifts the reading frame from tryptophan 202.
Molecular consequence: frameshift variant. On other transcripts: non-coding transcript variant (2).
Genome position (GRCh38, 1-based): chr1:160,280,235, C deleted on the plus strand (G on the coding strand, the reverse complement: PEX19 is on the minus strand); the first of 2 consecutive C bases (chr1:160,280,235-160,280,236); deleting either gives the same sequence. VCF-style (leftmost placement, unchanged base first): chr1-160280234-AC-A. GRCh37 (hg19) VCF-style: chr1-160250024-AC-A.
Other names: c.606del, p.Trp202fs (NM_001193644.1); short protein forms W202fs.
Identifiers: ClinVar variation 3075992 (VCV003075992.1), dbSNP rs1461345139, ClinGen allele CA526678845.

ClinVar aggregate classification (germline): Likely pathogenic (1 of 4 stars; one submission).

Conditions:
Zellweger spectrum disorders (ZS). Also called: Zellweger syndrome; Zellweger Spectrum Disorder; Zellweger Spectrum; Zellweger Spectrum Disorder (ZSD). Identifiers: Orphanet 912, MedGen C0043459, MONDO:0019609.

Submission:

Laboratory for Molecular Medicine, Mass General Brigham Personalized Medicine
Classification: Likely pathogenic for Zellweger spectrum disorders. Last evaluated: 2024-03-27. Review status: criteria provided, single submitter. Criteria: ACMG Guidelines, 2015. Collection method: clinical testing. Allele origin: germline. Inheritance: Autosomal recessive inheritance.
Comment: The p.Trp202CysfsX60 variant in PEX19 has not been previously reported in individuals with Zellweger spectrum disorder but has been identified in 0.005% (2/41460) of African/African American chromosomes by gnomAD (v.4.0.0), consistent with a recessive carrier frequency. This variant is predicted to cause a frameshift, which alters the protein’s amino acid sequence beginning at position 202 and leads to a premature termination codon 60 amino acids downstream. This alteration is then predicted to lead to a truncated or absent protein. Biallelic loss of function of the PEX19 gene is an established disease mechanism in autosomal recessive Zellweger spectrum disorder. In summary, although additional studies are required to fully establish its clinical significance, this variant meets criteria to be classified as likely pathogenic for autosomal recessive Zellweger spectrum disorder. ACMG/AMP Criteria applied: PVS1, PM2_Supporting.